The following is an entry in ClinVar:

ClinVar aggregate classification (germline): Uncertain significance (1 of 4 stars; one submission).

gnomAD v4.1: 4 of 1,613,918 alleles (0.00025%); highest among the groups gnomAD compares: Non-Finnish European, 0.00017%; no homozygotes.

Submission:

GeneDx
Classification: Uncertain significance. Last evaluated: 2024-03-04. Review status: criteria provided, single submitter. Criteria: GeneDx Variant Classification Process June 2021. Collection method: clinical testing. Allele origin: germline. Affected: yes.
Comment: Has not been previously published as pathogenic or benign to our knowledge; Not observed at significant frequency in large population cohorts (gnomAD); In silico analysis supports that this missense variant does not alter protein structure/function; This variant is associated with the following publications: (PMID: 12938084)

NM_000138.5(FBN1):c.527A>G (p.Gln176Arg)

Gene: FBN1 (fibrillin 1; minus strand). Cytogenetic location: 15q21.1.
Variant type: single nucleotide variant.
Coding change: c.527A>G on transcript NM_000138.5 (MANE Select); coding-DNA position 527, A replaced by G.
Protein change: p.Gln176Arg; replaces glutamine 176 with arginine.
Molecular consequence: missense variant.
Genome position (GRCh38, 1-based): chr15:48,596,294, T>C on the plus strand (A>G on the coding strand, the complement: FBN1 is on the minus strand). VCF-style: chr15-48596294-T-C. GRCh37 (hg19) VCF-style: chr15-48888491-T-C.
Other names: c.527A>G, p.Gln176Arg (NM_001406716.1, NM_001406717.1); short protein forms Q176R.
Identifiers: ClinVar variation 3340775 (VCV003340775.1).
Genomic context (GRCh38, chr15:48,596,294, plus strand): 5'-GCTTTAGGTACCAGCATGTCTTTACGTAAATGATTTTAAAAACCATTACCTCTTTCACAC[T>C]GGGGTCCAGTAAATCCGTAAGTGCATGCACATCGATTTGGGGCCACACACCTTCCTCCAT-3'
Protein context (NP_000129.3, residues 166-186): CACTYGFTGP[Gln176Arg]CERDYRTGPC